The following is an entry in ClinVar:

ClinVar aggregate classification (germline): Likely benign. Review status: criteria provided, multiple submitters, no conflicts (2 of 4 stars). 2 submissions from 2 submitters: Likely benign (2). Last evaluated 2018-06-16.

Allele frequency attached by ClinVar (database versions not stated): 1000 Genomes Project 0.00779; 1000 Genomes Project 30x 0.00781; TOPMed 0.01642; gnomAD 0.01706 and 0.01736.
gnomAD v4.1: 28,315 of 1,225,700 alleles (2.3%); highest among the groups gnomAD compares: Non-Finnish European, 2.7%; 377 homozygotes.

Submissions (2):

GeneDx
Classification: Likely benign. Last evaluated: 2018-06-16. Review status: criteria provided, single submitter. Criteria: GeneDx Variant Classification (06012015). Collection method: clinical testing. Allele origin: germline. Affected: yes.
Comment: This variant is considered likely benign or benign based on one or more of the following criteria: it is a conservative change, it occurs at a poorly conserved position in the protein, it is predicted to be benign by multiple in silico algorithms, and/or has population frequency not consistent with disease.

Breakthrough Genomics
Classification: Likely benign. Review status: criteria provided, single submitter. Criteria: ACMG Guidelines, 2015. Collection method: not provided. Allele origin: germline. Inheritance: Autosomal recessive inheritance. Affected: yes.

NM_001195518.2(MICU1):c.330+75A>G

Gene: MICU1 (mitochondrial calcium uptake 1; minus strand). Cytogenetic location: 10q22.1.
Variant type: single nucleotide variant.
Coding change: c.330+75A>G on transcript NM_001195518.2 (MANE Select); 75 bases into the intron after coding-DNA position 330, A replaced by G.
Molecular consequence: intron variant.
Genome position (GRCh38, 1-based): chr10:72,562,820, T>C on the plus strand (A>G on the coding strand, the complement: MICU1 is on the minus strand). VCF-style: chr10-72562820-T-C. GRCh37 (hg19) VCF-style: chr10-74322578-T-C.
Other names: c.330+75A>G (NM_006077.4, NM_001363513.2).
Identifiers: ClinVar variation 676745 (VCV000676745.2), dbSNP rs117269507, ClinGen allele CA209805538.